The following is an entry in ClinVar:

ClinVar aggregate classification (germline): Uncertain significance. Review status: criteria provided, multiple submitters, no conflicts (2 of 4 stars). 2 submissions from 2 submitters: Uncertain significance (2). Last evaluated 2017-05-08.

Conditions:
Hereditary cancer-predisposing syndrome. Also called: Hereditary Cancer Syndrome; Neoplastic Syndromes, Hereditary; Hereditary neoplastic syndrome; Tumor predisposition. Identifiers: Orphanet 140162, MedGen C0027672, MeSH D009386, MONDO:0015356.
Familial cancer of breast. Also called: BREAST CANCER, FAMILIAL; Hereditary breast cancer; hereditary breast carcinoma. Identifiers: Orphanet 227535, MedGen C0346153, MONDO:0016419, OMIM 114480. Disease mechanism: loss of function.

Submissions (2):

Labcorp Genetics (formerly Invitae), Labcorp
Classification: Uncertain significance for Familial cancer of breast. Last evaluated: 2017-05-08. Review status: criteria provided, single submitter. Criteria: Invitae Variant Classification Sherloc (09022015). Collection method: clinical testing. Allele origin: germline.
Comment: This variant is not present in population databases (ExAC no frequency) and has not been reported in the literature in individuals with a PALB2-related disease. ClinVar contains an entry for this variant (Variation ID: 142488). This sequence change replaces threonine with alanine at codon 333 of the PALB2 protein (p.Thr333Ala). The threonine residue is moderately conserved and there is a small physicochemical difference between threonine and alanine. Algorithms developed to predict the effect of missense changes on protein structure and function output the following: SIFT: "Tolerated"; PolyPhen-2: "Benign"; Align-GVGD: "Class C0". The alanine amino acid residue is found in multiple mammalian species, suggesting that this missense change does not adversely affect protein function. These predictions have not been confirmed by published functional studies. In summary, this variant is a rare missense change that is not predicted to affect protein function. There is no indication that it causes disease, but the available evidence is currently insufficient to prove that conclusively. Therefore, it has been classified as a Variant of Uncertain Significance.

Ambry Genetics
Classification: Uncertain significance for Hereditary cancer-predisposing syndrome. Last evaluated: 2013-05-06. Review status: criteria provided, single submitter. Criteria: Ambry Autosomal Dominant and X-Linked criteria (10/2015). Collection method: clinical testing. Allele origin: germline. Observed: 1 variant allele.
Comment: There is insufficient or conflicting evidence for classification of this alteration.

NM_024675.4(PALB2):c.997A>G (p.Thr333Ala)

Gene: PALB2 (partner and localizer of BRCA2; minus strand). Cytogenetic location: 16p12.2.
Variant type: single nucleotide variant.
Coding change: c.997A>G on transcript NM_024675.4 (MANE Select); coding-DNA position 997, A replaced by G.
Protein change: p.Thr333Ala; replaces threonine 333 with alanine.
Molecular consequence: missense variant.
Genome position (GRCh38, 1-based): chr16:23,635,549, T>C on the plus strand (A>G on the coding strand, the complement: PALB2 is on the minus strand). VCF-style: chr16-23635549-T-C. GRCh37 (hg19) VCF-style: chr16-23646870-T-C.
Other names: short protein forms T333A.
Identifiers: ClinVar variation 142488 (VCV000142488.12), dbSNP rs587782498, ClinGen allele CA168494.